The following is an entry in ClinVar:

ClinVar aggregate classification (germline): Pathogenic. Review status: criteria provided, multiple submitters, no conflicts (2 of 4 stars). 2 submissions from 2 submitters: Pathogenic (2). Last evaluated 2025-03-05.

Conditions:
Familial adenomatous polyposis 4 (FAP4). Also called: MSH3-related attenuated familial adenomatous polyposis. Identifiers: Orphanet 480536, MedGen C4310719, MONDO:0044300, OMIM 617100.

Submissions (2):

Myriad Genetics, Inc.
Classification: Pathogenic for Familial adenomatous polyposis 4. Last evaluated: 2025-03-05. Review status: criteria provided, single submitter. Criteria: Myriad Autosomal Dominant, Autosomal Recessive and X-Linked Classification Criteria (2023). Collection method: clinical testing. Allele origin: unknown.
Comment: This variant is considered pathogenic. This variant creates a frameshift predicted to result in premature protein truncation.

Labcorp Genetics (formerly Invitae), Labcorp
Classification: Pathogenic. Last evaluated: 2024-04-10. Review status: criteria provided, single submitter. Criteria: Invitae Variant Classification Sherloc (09022015). Collection method: clinical testing. Allele origin: germline.
Comment: This sequence change creates a premature translational stop signal (p.Leu134Glyfs*16) in the MSH3 gene. It is expected to result in an absent or disrupted protein product. Loss-of-function variants in MSH3 are known to be pathogenic (PMID: 27476653, 37402566). This variant is not present in population databases (gnomAD no frequency). This variant has not been reported in the literature in individuals affected with MSH3-related conditions. For these reasons, this variant has been classified as Pathogenic.

Literature cited by the submitters: PubMed 27476653 (cited by Labcorp Genetics (formerly Invitae), Labcorp); PubMed 37402566 (cited by Labcorp Genetics (formerly Invitae), Labcorp).

NM_002439.5(MSH3):c.400_401del (p.Leu134fs)

Gene: MSH3 (mutS homolog 3; plus strand). Cytogenetic location: 5q14.1.
Variant type: Microsatellite.
Coding change: c.400_401del on transcript NM_002439.5 (MANE Select); coding-DNA positions 400 to 401, 2 bases deleted (CT; older notation c.400_401delCT).
Protein change: p.Leu134fs; shifts the reading frame from leucine 134.
Molecular consequence: frameshift variant.
Genome position (GRCh38, 1-based): chr5:80,665,184-80,665,185, CT deleted; deleting any 2 consecutive bases within chr5:80,665,181-80,665,185 gives the same sequence; the c. name uses the placement nearest the transcript's 3' end. VCF-style (leftmost placement, unchanged base first): chr5-80665180-GTC-G. GRCh37 (hg19) VCF-style: chr5-79960999-GTC-G.
Other names: short protein forms L134fs.
Identifiers: ClinVar variation 1396337 (VCV001396337.7), dbSNP rs2112808731, ClinGen allele CA2580613574.